The following is an entry in ClinVar:

ClinVar aggregate classification (germline): Pathogenic (1 of 4 stars; one submission).

Conditions:
Rhizomelic chondrodysplasia punctata type 3 (RCDP3). Also called: ALKYLDIHYDROXYACETONEPHOSPHATE SYNTHASE DEFICIENCY; Alkylglycerone Phosphate Synthase (AGPS) deficiency. Identifiers: Orphanet 177, Orphanet 309803, MedGen C1838612, MONDO:0010823, OMIM 600121. Disease mechanism: loss of function.

Submission:

3billion
Classification: Pathogenic for Rhizomelic chondrodysplasia punctata type 3. Last evaluated: 2024-08-14. Review status: criteria provided, single submitter. Criteria: ACMG Guidelines, 2015. Collection method: clinical testing. Allele origin: germline. Affected: yes.
Comment: The variant is not observed in the gnomAD v4.0.0 dataset. Predicted Consequence/Location: Canonical splice site: predicted to alter splicing and result in a loss or disruption of normal protein function. Multiple pathogenic loss-of-function variants are reported downstream of the variant. In silico tools predict the variant to alter splicing and produce an abnormal transcript [SpliceAI: 0.96 (spliceogenicity >=0.2, non-spliceogenicity <0.1)]. Therefore, this variant is classified as Pathogenic according to the recommendation of ACMG/AMP guideline.

NM_003659.4(AGPS):c.638-1G>A

Gene: AGPS (alkylglycerone phosphate synthase; plus strand). Cytogenetic location: 2q31.2.
Variant type: single nucleotide variant.
Coding change: c.638-1G>A on transcript NM_003659.4 (MANE Select); the canonical splice acceptor site of the intron before coding-DNA position 638, G replaced by A.
Molecular consequence: splice acceptor variant.
Genome position (GRCh38, 1-based): chr2:177,440,964, G>A. VCF-style: chr2-177440964-G-A. GRCh37 (hg19) VCF-style: chr2-178305692-G-A.
Identifiers: ClinVar variation 4292356 (VCV004292356.1).
Genomic context (GRCh38, chr2:177,440,964, plus strand): 5'-CCAAGGTTATCAGATTTTATTTATGCCTCTGTAATTAATTTATTTTCCCTTTTTTCAACA[G>A]CATGCCATGATGATGTAGTTAAGATTGTGAATCTAGCTTGCAAATATAATCTTTGTATCA-3'